The following is an entry in ClinVar:

ClinVar aggregate classification (germline): Conflicting classifications of pathogenicity. Review status: criteria provided, conflicting classifications (1 of 4 stars). 2 submissions from 2 submitters: Uncertain significance (1); Likely benign (1). Last evaluated 2023-12-04.

Conditions:
Hereditary cancer-predisposing syndrome. Also called: Neoplastic Syndromes, Hereditary; Tumor predisposition; Hereditary neoplastic syndrome; Hereditary Cancer Syndrome. Identifiers: Orphanet 140162, MedGen C0027672, MeSH D009386, MONDO:0015356.

Allele frequency attached by ClinVar (database versions not stated): gnomAD exomes below 0.00001.
gnomAD v4.1: 1 of 1,613,236 alleles (0.000062%); highest among the groups gnomAD compares: South Asian, 0.0011%; no homozygotes.

Submissions (2):

Color Diagnostics, LLC DBA Color Health
Classification: Uncertain significance for Hereditary cancer-predisposing syndrome. Last evaluated: 2023-12-04. Review status: criteria provided, single submitter. Criteria: ACMG Guidelines, 2015. Collection method: clinical testing. Allele origin: germline.
Comment: This missense variant replaces histidine with leucine at codon 1932 of the BRCA2 protein. Computational prediction suggests that this variant may not impact protein structure and function (internally defined REVEL score threshold <= 0.5, PMID: 27666373). To our knowledge, functional studies have not been reported for this variant. This variant has not been reported in individuals affected with BRCA2-related disorders in the literature. This variant has not been identified in the general population by the Genome Aggregation Database (gnomAD). The available evidence is insufficient to determine the role of this variant in disease conclusively. Therefore, this variant is classified as a Variant of Uncertain Significance.

University of Washington Department of Laboratory Medicine, University of Washington
Classification: Likely benign for Hereditary cancer-predisposing syndrome. Last evaluated: 2023-03-23. Review status: criteria provided, single submitter. Criteria: Dines et al. (Genet Med. 2020). Collection method: curation. Allele origin: germline.
Comment: Missense variant in a coldspot region where missense variants are very unlikely to be pathogenic (PMID:31911673).

BRCA2 exon 11 coldspot. Reclassification based on statistical prior probability.

NM_000059.4(BRCA2):c.5795A>T (p.His1932Leu)

Gene: BRCA2 (BRCA2 DNA repair associated; plus strand). Cytogenetic location: 13q13.1.
Variant type: single nucleotide variant.
Coding change: c.5795A>T on transcript NM_000059.4 (MANE Select); coding-DNA position 5795, A replaced by T.
Protein change: p.His1932Leu; replaces histidine 1932 with leucine.
Molecular consequence: missense variant.
Genome position (GRCh38, 1-based): chr13:32,340,150, A>T. VCF-style: chr13-32340150-A-T. GRCh37 (hg19) VCF-style: chr13-32914287-A-T.
Other names: short protein forms H1932L.
Identifiers: ClinVar variation 629692 (VCV000629692.7), dbSNP rs1566233236, ClinGen allele CA387787191.